The following is an entry in ClinVar:

ClinVar aggregate classification (germline): Likely pathogenic (1 of 4 stars; one submission).

Conditions:
Niemann-Pick disease, type A. Also called: SPHINGOMYELIN LIPIDOSIS; SPHINGOMYELINASE DEFICIENCY; Infantile Neurovisceral ASMD (Niemann-Pick Disease Type A; NPD-A). Identifiers: Orphanet 77292, MedGen C0268242, MONDO:0009756, OMIM 257200. Disease mechanism: loss of function.

Submission:

Natera, Inc.
Classification: Likely pathogenic for Niemann-Pick Disease, Types A/B. Last evaluated: 2025-12-22. Review status: criteria provided, single submitter. Criteria: Natera Variant Classification Schema (03/2026). Collection method: clinical testing. Allele origin: germline.
Comment: The c.861G>A variant in SMPD1 is a nonsense variant predicted to introduce a stop codon at amino acid 287. This variant is expected to result in nonsense mediated decay, truncation, or a dysfunctional protein product. This variant is rare in the general population with a frequency below the threshold expected for the associated phenotype(s). Given the available evidence, this variant is classified as Likely Pathogenic.

NM_000543.5(SMPD1):c.861G>A (p.Trp287Ter)

Gene: SMPD1 (sphingomyelin phosphodiesterase 1; plus strand). Cytogenetic location: 11p15.4.
Variant type: single nucleotide variant.
Coding change: c.861G>A on transcript NM_000543.5 (MANE Select); coding-DNA position 861, G replaced by A.
Protein change: p.Trp287Ter; replaces tryptophan 287 with a stop codon.
Molecular consequence: nonsense. On other transcripts: 5 prime UTR variant (1), non-coding transcript variant (1).
Genome position (GRCh38, 1-based): chr11:6,391,926, G>A. VCF-style: chr11-6391926-G-A. GRCh37 (hg19) VCF-style: chr11-6413156-G-A.
Other names: c.858G>A, p.Trp286Ter (NM_001007593.3); c.861G>A, p.Trp287Ter (NM_001318087.2, NM_001365135.2); c.-101G>A (NM_001318088.2); short protein forms W286*, W287*.
Identifiers: ClinVar variation 4814358 (VCV004814358.1).